The following is an entry in ClinVar:

ClinVar aggregate classification (germline): Likely benign (1 of 4 stars; one submission).

Conditions:
Amyotrophic lateral sclerosis type 6. Also called: FUS-Related Amyotrophic Laterial Sclerosis; AMYOTROPHIC LATERAL SCLEROSIS 6 WITHOUT FRONTOTEMPORAL DEMENTIA; Amyotrophic lateral sclerosis 6, with or without frontotemporal dementia. Identifiers: Orphanet 275872, Orphanet 803, MedGen C2931786, MONDO:0011951, OMIM 608030.

Allele frequency attached by ClinVar (database versions not stated): ExAC 0.00037; gnomAD exomes 0.00085 and 0.00104; gnomAD 0.00117 and 0.00123; TOPMed 0.00132; 1000 Genomes Project 0.00120; 1000 Genomes Project 30x 0.00156.
gnomAD v4.1: 581 of 527,804 alleles (0.11%); highest among the groups gnomAD compares: Middle Eastern, 0.47%; 2 homozygotes.

Submission:

Illumina Laboratory Services, Illumina
Classification: Likely benign for Amyotrophic lateral sclerosis type 6. Last evaluated: 2018-01-13. Review status: criteria provided, single submitter. Criteria: ICSL Variant Classification Criteria 13 December 2019. Collection method: clinical testing. Allele origin: germline.
Comment: This variant was observed in the ICSL laboratory as part of a predisposition screen in an ostensibly healthy population. It had not been previously curated by ICSL or reported in the Human Gene Mutation Database (HGMD: prior to June 1st, 2018), and was therefore a candidate for classification through an automated scoring system. Utilizing variant allele frequency, disease prevalence and penetrance estimates, and inheritance mode, an automated score was calculated to assess if this variant is too frequent to cause the disease. Based on the score and internal cut-off values, a variant classified as likely benign is not then subjected to further curation. The score for this variant resulted in a classification of likely benign for this disease.

NM_004960.3(FUS):c.*2005G>T

Gene: FUS (FUS DNA/RNA binding protein; plus strand). Cytogenetic location: 16p11.2.
Variant type: single nucleotide variant.
Coding change: c.*2005G>T on transcript NM_004960.3; 2005 bases downstream of the stop codon, G replaced by T.
Molecular consequence: 3 prime UTR variant (on NM_001170634.1). On other transcripts: non-coding transcript variant (1).
Genome position (GRCh38, 1-based): chr16:31,193,443, G>T. VCF-style: chr16-31193443-G-T. GRCh37 (hg19) VCF-style: chr16-31204764-G-T.
Other names: c.*2005G>T (NM_001170634.1, NM_001170937.1).
Identifiers: ClinVar variation 319034 (VCV000319034.7), dbSNP rs140979886, ClinGen allele CA8024294.